The following is an entry in ClinVar:

ClinVar aggregate classification (germline): Uncertain significance. Review status: criteria provided, multiple submitters, no conflicts (2 of 4 stars). 2 submissions from 2 submitters: Uncertain significance (2). Last evaluated 2025-01-18.

Conditions:
Inborn genetic diseases. Identifiers: MedGen C0950123, MeSH D030342.

Allele frequency attached by ClinVar (database versions not stated): gnomAD 0.00001 and 0.00002; ExAC 0.00002; TOPMed 0.00002; gnomAD exomes 0.00004.
gnomAD v4.1: 25 of 1,614,108 alleles (0.0015%); highest among the groups gnomAD compares: Middle Eastern, 0.033%; no homozygotes.

Submissions (2):

Ambry Genetics
Classification: Uncertain significance for Inborn genetic diseases. Last evaluated: 2025-01-18. Review status: criteria provided, single submitter. Criteria: Ambry Variant Classification Scheme 2023. Collection method: clinical testing. Allele origin: germline.

Labcorp Genetics (formerly Invitae), Labcorp
Classification: Uncertain significance. Last evaluated: 2021-11-16. Review status: criteria provided, single submitter. Criteria: Invitae Variant Classification Sherloc (09022015). Collection method: clinical testing. Allele origin: germline.
Comment: This sequence change replaces threonine, which is neutral and polar, with isoleucine, which is neutral and non-polar, at codon 399 of the EXTL3 protein (p.Thr399Ile). This variant is present in population databases (rs768769383, gnomAD 0.02%). This variant has not been reported in the literature in individuals affected with EXTL3-related conditions. Algorithms developed to predict the effect of missense changes on protein structure and function are either unavailable or do not agree on the potential impact of this missense change (SIFT: "Deleterious"; PolyPhen-2: "Benign"; Align-GVGD: "Class C0"). In summary, the available evidence is currently insufficient to determine the role of this variant in disease. Therefore, it has been classified as a Variant of Uncertain Significance.

NM_001440.4(EXTL3):c.1196C>T (p.Thr399Ile)

Gene: EXTL3 (exostosin like glycosyltransferase 3; plus strand). Cytogenetic location: 8p21.1.
Variant type: single nucleotide variant.
Coding change: c.1196C>T on transcript NM_001440.4 (MANE Select); coding-DNA position 1196, C replaced by T.
Protein change: p.Thr399Ile; replaces threonine 399 with isoleucine.
Molecular consequence: missense variant.
Genome position (GRCh38, 1-based): chr8:28,717,255, C>T. VCF-style: chr8-28717255-C-T. GRCh37 (hg19) VCF-style: chr8-28574772-C-T.
Other names: c.1196C>T (NM_001440.2); short protein forms T399I.
Identifiers: ClinVar variation 1463464 (VCV001463464.4), dbSNP rs768769383, ClinGen allele CA4696162.